The following is an entry in ClinVar:

NM_007327.4(GRIN1):c.1583A>G (p.Glu528Gly)

Gene: GRIN1 (glutamate ionotropic receptor NMDA type subunit 1; plus strand). Cytogenetic location: 9q34.3.
Variant type: single nucleotide variant.
Coding change: c.1583A>G on transcript NM_007327.4 (MANE Select); coding-DNA position 1583, A replaced by G.
Protein change: p.Glu528Gly; replaces glutamic acid 528 with glycine.
Molecular consequence: missense variant.
Genome position (GRCh38, 1-based): chr9:137,162,039, A>G. VCF-style: chr9-137162039-A-G. GRCh37 (hg19) VCF-style: chr9-140056491-A-G.
Other names: c.1583A>G, p.Glu528Gly (NM_000832.7, NM_021569.4); c.1646A>G, p.Glu549Gly (NM_001185090.2, NM_001185091.2); short protein forms E528G, E549G.
Identifiers: ClinVar variation 3901320 (VCV003901320.1).

ClinVar aggregate classification (germline): Uncertain significance (1 of 4 stars; one submission).

Submission:

GeneDx
Classification: Uncertain significance. Last evaluated: 2024-12-04. Review status: criteria provided, single submitter. Criteria: GeneDx Variant Classification Process June 2021. Collection method: clinical testing. Allele origin: germline. Affected: yes.
Comment: Not observed at significant frequency in large population cohorts (gnomAD); In silico analysis supports that this missense variant has a deleterious effect on protein structure/function; Has not been previously published as pathogenic or benign to our knowledge